The following is an entry in ClinVar:

NM_014680.5(BLTP2):c.1075A>G (p.Ser359Gly)

Gene: BLTP2 (bridge-like lipid transfer protein family member 2; minus strand). Cytogenetic location: 17q11.2.
Variant type: single nucleotide variant.
Coding change: c.1075A>G on transcript NM_014680.5 (MANE Select); coding-DNA position 1075, A replaced by G.
Protein change: p.Ser359Gly; replaces serine 359 with glycine.
Molecular consequence: missense variant. On other transcripts: 5 prime UTR variant (2).
Genome position (GRCh38, 1-based): chr17:28,639,583, T>C on the plus strand (A>G on the coding strand, the complement: BLTP2 is on the minus strand). VCF-style: chr17-28639583-T-C. GRCh37 (hg19) VCF-style: chr17-26966601-T-C.
Other names: c.1075A>G, p.Ser359Gly (NM_001321560.2, NM_001321561.2); c.646A>G, p.Ser216Gly (NM_001363826.1); c.70A>G, p.Ser24Gly (NM_001363827.1); c.-745A>G (NM_001363828.1); c.-1119A>G (NM_001363829.1); short protein forms S24G, S359G, S216G.
Identifiers: ClinVar variation 4646085 (VCV004646085.1).

ClinVar aggregate classification (germline): Uncertain significance (1 of 4 stars; one submission).

gnomAD v4.1: 13 of 1,613,940 alleles (0.00081%); highest among the groups gnomAD compares: Admixed American, 0.022%; no homozygotes.

Submission:

Ambry Genetics
Classification: Uncertain significance. Last evaluated: 2025-10-17. Review status: criteria provided, single submitter. Criteria: Ambry Variant Classification Scheme 2023. Collection method: clinical testing. Allele origin: germline.
Comment: The c.1075A>G (p.S359G) alteration is located in exon 10 (coding exon 10) of the KIAA0100 gene. This alteration results from a A to G substitution at nucleotide position 1075, causing the serine (S) at amino acid position 359 to be replaced by a glycine (G). Based on data from gnomAD, the G allele has an overall frequency of 0.004% (11/282880) total alleles studied. The highest observed frequency was 0.031% (11/35436) of Latino alleles. Based on insufficient or conflicting evidence, the clinical significance of this alteration remains unclear.